The following is an entry in ClinVar:

NM_005070.4(SLC4A3):c.2784G>A (p.Gly928=)

Gene: SLC4A3 (solute carrier family 4 member 3; plus strand). Cytogenetic location: 2q35.
Variant type: single nucleotide variant.
Coding change: c.2784G>A on transcript NM_005070.4 (MANE Select); coding-DNA position 2784, G replaced by A.
Protein change: p.Gly928=; no amino-acid change (glycine 928 retained).
Molecular consequence: synonymous variant. On other transcripts: non-coding transcript variant (1).
Genome position (GRCh38, 1-based): chr2:219,638,181, G>A. VCF-style: chr2-219638181-G-A. GRCh37 (hg19) VCF-style: chr2-220502903-G-A.
Other names: c.2865G>A, p.Gly955= (NM_001326559.2, NM_201574.3).
Identifiers: ClinVar variation 64555 (VCV000064555.2), dbSNP rs387907534, ClinGen allele CA216395.

ClinVar aggregate classification (germline): Uncertain significance (0 of 4 stars; one submission).

Allele frequency attached by ClinVar (database versions not stated): gnomAD exomes 0.00010 and 0.00014; gnomAD 0.00011 and 0.00010; TOPMed 0.00011; ExAC 0.00009.
gnomAD v4.1: 211 of 1,612,336 alleles (0.013%); highest among the groups gnomAD compares: Middle Eastern, 0.049%; no homozygotes.

Submission:

Martin Pollak Laboratory,  Beth Israel Deaconess Medical Center
Classification: Uncertain significance. Review status: no assertion criteria provided. Collection method: not provided. Allele origin: unknown.
Comment: Higher UCa2+ group
ClinVar note: Converted during submission from unknown to Uncertain significance.